The following is an entry in ClinVar:

ClinVar aggregate classification (germline): Uncertain significance (1 of 4 stars; one submission).

Conditions:
SCAPER-related disorder. Also called: SCAPER-related condition.

gnomAD v4.1: 5 of 1,607,490 alleles (0.00031%); highest among the groups gnomAD compares: Non-Finnish European, 0.00042%; no homozygotes.

Submission:

PreventionGenetics, part of Exact Sciences
Classification: Uncertain significance for SCAPER-related condition. Last evaluated: 2024-10-11. Review status: criteria provided, single submitter. Criteria: ACMG Guidelines, 2015. Collection method: clinical testing. Allele origin: germline.
Comment: The SCAPER c.2687T>C variant is predicted to result in the amino acid substitution p.Met896Thr. To our knowledge, this variant has not been reported in the literature or in a large population database (gnomAD), indicating this variant is rare. At this time, the clinical significance of this variant is uncertain due to the absence of conclusive functional and genetic evidence.

NM_020843.4(SCAPER):c.2669T>C (p.Met890Thr)

Gene: SCAPER (S-phase cyclin A associated protein in the ER; minus strand). Cytogenetic location: 15q24.3.
Variant type: single nucleotide variant.
Coding change: c.2669T>C on transcript NM_020843.4 (MANE Select); coding-DNA position 2669, T replaced by C.
Protein change: p.Met890Thr; replaces methionine 890 with threonine.
Molecular consequence: missense variant. On other transcripts: non-coding transcript variant (1).
Genome position (GRCh38, 1-based): chr15:76,621,806, A>G on the plus strand (T>C on the coding strand, the complement: SCAPER is on the minus strand). VCF-style: chr15-76621806-A-G. GRCh37 (hg19) VCF-style: chr15-76914147-A-G.
Other names: c.1931T>C, p.Met644Thr (NM_001145923.2); c.2687T>C, p.Met896Thr (NM_001353009.2); c.2267T>C, p.Met756Thr (NM_001353010.2, NM_001353012.2); c.2285T>C, p.Met762Thr (NM_001353011.2); short protein forms M756T, M644T, M890T, M762T, M896T.
Identifiers: ClinVar variation 4985468 (VCV004985468.1).